The following is an entry in ClinVar:

ClinVar aggregate classification (germline): Likely benign. Review status: criteria provided, multiple submitters, no conflicts (2 of 4 stars). 3 submissions from 3 submitters: Likely benign (2). 1 of the submissions does not count toward it. Last evaluated 2025-11-15.

Conditions:
Generalized epilepsy-paroxysmal dyskinesia syndrome (PNKD3). Also called: Paroxysmal nonkinesigenic dyskinesia, 3, with or without generalized epilepsy; Generalized epilepsy and paroxysmal dyskinesia. Identifiers: Orphanet 79137, MedGen C5574945, MONDO:0012276, OMIM 609446.
KCNMA1-related disorder. Also called: KCNMA1-related disorders; KCNMA1-related condition.

Allele frequency attached by ClinVar (database versions not stated): gnomAD 0.00001; gnomAD exomes 0.00001 and 0.00002; ExAC 0.00002; TOPMed 0.00002.
gnomAD v4.1: 14 of 1,613,992 alleles (0.00087%); highest among the groups gnomAD compares: Admixed American, 0.0017%; no homozygotes.

Submissions (3):

Labcorp Genetics (formerly Invitae), Labcorp
Classification: Likely benign for Generalized epilepsy-paroxysmal dyskinesia syndrome. Last evaluated: 2025-11-15. Review status: criteria provided, single submitter. Criteria: Invitae Variant Classification Sherloc (09022015). Collection method: clinical testing. Allele origin: germline.

CeGaT Center for Human Genetics Tuebingen
Classification: Likely benign. Last evaluated: 2022-09-01. Review status: criteria provided, single submitter. Criteria: CeGaT Center For Human Genetics Tuebingen Variant Classification Criteria Version 2. Collection method: clinical testing. Allele origin: germline. Affected: yes. Observed: 2 variant alleles.
Comment: KCNMA1: BP4, BP7

PreventionGenetics, part of Exact Sciences
Classification: Likely benign for KCNMA1-related condition. Last evaluated: 2022-08-29. Review status: no assertion criteria provided. Collection method: clinical testing. Allele origin: germline. Not counted in ClinVar's aggregate classification.
Comment: This variant is classified as likely benign based on ACMG/AMP sequence variant interpretation guidelines (Richards et al. 2015 PMID: 25741868, with internal and published modifications).

NM_001161352.2(KCNMA1):c.462C>T (p.Ala154=)

Gene: KCNMA1 (potassium calcium-activated channel subfamily M alpha 1; minus strand). Cytogenetic location: 10q22.3.
Variant type: single nucleotide variant.
Coding change: c.462C>T on transcript NM_001161352.2 (MANE Select); coding-DNA position 462, C replaced by T.
Protein change: p.Ala154=; no amino-acid change (alanine 154 retained).
Molecular consequence: synonymous variant. On other transcripts: intron variant (1).
Genome position (GRCh38, 1-based): chr10:77,403,940, G>A on the plus strand (C>T on the coding strand, the complement: KCNMA1 is on the minus strand). VCF-style: chr10-77403940-G-A. GRCh37 (hg19) VCF-style: chr10-79163698-G-A.
Other names: c.462C>T (NM_002247.3); c.462C>T, p.Ala154= (NM_001014797.3, NM_001161353.2, NM_001271519.2 and 7 more transcripts); c.379-152684C>T (NM_001271518.2).
Identifiers: ClinVar variation 1078116 (VCV001078116.39), dbSNP rs200015007, ClinGen allele CA5568695.